The following is an entry in ClinVar:

ClinVar aggregate classification (germline): Pathogenic (1 of 4 stars; one submission).

Submission:

GeneDx
Classification: Pathogenic. Last evaluated: 2024-12-08. Review status: criteria provided, single submitter. Criteria: GeneDx Variant Classification Process June 2021. Collection method: clinical testing. Allele origin: germline. Affected: yes.
Comment: Reported in multiple family members from one family with hereditary multiple exostoses (PMID: 9463333); Frameshift variant predicted to result in protein truncation or nonsense mediated decay in a gene for which loss of function is a known mechanism of disease; Not observed at significant frequency in large population cohorts (gnomAD); This variant is associated with the following publications: (PMID: 10679937, 9521425, 9463333)

NM_207122.2(EXT2):c.652del (p.Ser218fs)

Gene: EXT2 (exostosin glycosyltransferase 2; plus strand). Cytogenetic location: 11p11.2.
Variant type: Deletion.
Coding change: c.652del on transcript NM_207122.2 (MANE Select); coding-DNA position 652, one base deleted (T; older notation c.652delT).
Protein change: p.Ser218fs; shifts the reading frame from serine 218.
Molecular consequence: frameshift variant.
Genome position (GRCh38, 1-based): chr11:44,114,210, T deleted; the last of 4 consecutive T bases (chr11:44,114,207-44,114,210); deleting any one gives the same sequence. VCF-style (leftmost placement, unchanged base first): chr11-44114206-CT-C. GRCh37 (hg19) VCF-style: chr11-44135756-CT-C.
Other names: c.751del, p.Ser251fs (NM_000401.3); c.652del, p.Ser218fs (NM_001178083.3, NM_001389628.1, NM_001389630.1); c.652delT, p.Ser218Leufs (NM_207122.1); short protein forms S218fs, S251fs.
Identifiers: ClinVar variation 3903162 (VCV003903162.1).